The following is an entry in ClinVar:

NM_000368.5(TSC1):c.841A>C (p.Ile281Leu)

Gene: TSC1 (TSC complex subunit 1; minus strand). Cytogenetic location: 9q34.13.
Variant type: single nucleotide variant.
Coding change: c.841A>C on transcript NM_000368.5 (MANE Select); coding-DNA position 841, A replaced by C.
Protein change: p.Ile281Leu; replaces isoleucine 281 with leucine.
Molecular consequence: missense variant.
Genome position (GRCh38, 1-based): chr9:132,912,354, T>G on the plus strand (A>C on the coding strand, the complement: TSC1 is on the minus strand). VCF-style: chr9-132912354-T-G. GRCh37 (hg19) VCF-style: chr9-135787741-T-G.
Other names: c.841A>C, p.Ile281Leu (NM_001162426.2); c.688A>C, p.Ile230Leu (NM_001162427.2); c.478A>C, p.Ile160Leu (NM_001362177.2); c.841A>C (NM_000368.4); short protein forms I230L, I160L, I281L.
Identifiers: ClinVar variation 1474511 (VCV001474511.8), dbSNP rs2131999104, ClinGen allele CA375369286.
Genomic context (GRCh38, chr9:132,912,354, plus strand): 5'-GTGTGTCAGCATAAGGGCTGGTGGTGACATCGGCTGAACGATGAGGAAAGCGGGCTGAGA[T>G]TTGGTGAGACACAGAATAGCCATCTTCATATGAGGCTTCTGTGGGATCCAGAGAGATTTT-3'
Protein context (NP_000359.1, residues 271-291): YEDGYSVSHQ[Ile281Leu]SARFPHRSAD

ClinVar aggregate classification (germline): Conflicting classifications of pathogenicity. Review status: criteria provided, conflicting classifications (1 of 4 stars). 2 submissions from 2 submitters: Uncertain significance (1); Likely benign (1). Last evaluated 2026-07-13.

Conditions:
Hereditary cancer-predisposing syndrome. Also called: Hereditary Cancer Syndrome; Tumor predisposition; Neoplastic Syndromes, Hereditary; Hereditary neoplastic syndrome. Identifiers: Orphanet 140162, MedGen C0027672, MeSH D009386, MONDO:0015356.
Tuberous sclerosis 1 (TSC1). Identifiers: Orphanet 805, MedGen C1854465, MONDO:0008612, OMIM 191100.

Submissions (2):

Ambry Genetics
Classification: Likely benign for Hereditary cancer-predisposing syndrome. Last evaluated: 2026-07-13. Review status: criteria provided, single submitter. Criteria: Ambry Variant Classification Scheme 2023. Collection method: clinical testing. Allele origin: germline.

Labcorp Genetics (formerly Invitae), Labcorp
Classification: Uncertain significance for Tuberous sclerosis 1. Last evaluated: 2025-11-04. Review status: criteria provided, single submitter. Criteria: Invitae Variant Classification Sherloc (09022015). Collection method: clinical testing. Allele origin: germline.
Comment: This sequence change replaces isoleucine, which is neutral and non-polar, with leucine, which is neutral and non-polar, at codon 281 of the TSC1 protein (p.Ile281Leu). This variant is not present in population databases (gnomAD no frequency). This variant has not been reported in the literature in individuals affected with TSC1-related conditions. ClinVar contains an entry for this variant (Variation ID: 1474511). Invitae Evidence Modeling of protein sequence and biophysical properties (such as structural, functional, and spatial information, amino acid conservation, physicochemical variation, residue mobility, and thermodynamic stability) indicates that this missense variant is not expected to disrupt TSC1 protein function with a negative predictive value of 95%. In summary, the available evidence is currently insufficient to determine the role of this variant in disease. Therefore, it has been classified as a Variant of Uncertain Significance.